The following is an entry in ClinVar:

NM_004995.4(MMP14):c.178T>C (p.Ser60Pro)

Gene: MMP14 (matrix metallopeptidase 14; plus strand). Cytogenetic location: 14q11.2.
Variant type: single nucleotide variant.
Coding change: c.178T>C on transcript NM_004995.4 (MANE Select); coding-DNA position 178, T replaced by C.
Protein change: p.Ser60Pro; replaces serine 60 with proline.
Molecular consequence: missense variant.
Genome position (GRCh38, 1-based): chr14:22,841,560, T>C. VCF-style: chr14-22841560-T-C. GRCh37 (hg19) VCF-style: chr14-23310769-T-C.
Other names: short protein forms S60P.
Identifiers: ClinVar variation 2761534 (VCV002761534.3), dbSNP rs2502063006, ClinGen allele CA388929182.

ClinVar aggregate classification (germline): Uncertain significance (1 of 4 stars; one submission).

Submission:

Labcorp Genetics (formerly Invitae), Labcorp
Classification: Uncertain significance. Last evaluated: 2023-06-08. Review status: criteria provided, single submitter. Criteria: Invitae Variant Classification Sherloc (09022015). Collection method: clinical testing. Allele origin: germline.
Comment: This sequence change replaces serine, which is neutral and polar, with proline, which is neutral and non-polar, at codon 60 of the MMP14 protein (p.Ser60Pro). In summary, the available evidence is currently insufficient to determine the role of this variant in disease. Therefore, it has been classified as a Variant of Uncertain Significance. Advanced modeling of protein sequence and biophysical properties (such as structural, functional, and spatial information, amino acid conservation, physicochemical variation, residue mobility, and thermodynamic stability) performed at Invitae indicates that this missense variant is not expected to disrupt MMP14 protein function. This variant has not been reported in the literature in individuals affected with MMP14-related conditions. This variant is not present in population databases (gnomAD no frequency).